The following is an entry in ClinVar:

ClinVar aggregate classification (germline): Likely benign (0 of 4 stars; one submission).

Conditions:
DMXL1-related disorder. Also called: DMXL1-related condition.

Allele frequency attached by ClinVar (database versions not stated): ExAC 0.00046; ESP Exome Variant Server 0.00138; gnomAD 0.00153; TOPMed 0.00179; 1000 Genomes Project 0.00200; 1000 Genomes Project 30x 0.00219.
gnomAD v4.1: 524 of 1,613,966 alleles (0.032%); highest among the groups gnomAD compares: African/African-American, 0.64%; 3 homozygotes.

Submission:

PreventionGenetics, part of Exact Sciences
Classification: Likely benign for DMXL1-related condition. Last evaluated: 2019-05-24. Review status: no assertion criteria provided. Collection method: clinical testing. Allele origin: germline.
Comment: This variant is classified as likely benign based on ACMG/AMP sequence variant interpretation guidelines (Richards et al. 2015 PMID: 25741868, with internal and published modifications).

NM_001290321.3(DMXL1):c.3299A>G (p.Asp1100Gly)

Gene: DMXL1 (Dmx like 1; plus strand). Cytogenetic location: 5q23.1.
Variant type: single nucleotide variant.
Coding change: c.3299A>G on transcript NM_001290321.3 (MANE Select); coding-DNA position 3299, A replaced by G.
Protein change: p.Asp1100Gly; replaces aspartic acid 1100 with glycine.
Molecular consequence: missense variant. On other transcripts: non-coding transcript variant (3).
Genome position (GRCh38, 1-based): chr5:119,149,126, A>G. VCF-style: chr5-119149126-A-G. GRCh37 (hg19) VCF-style: chr5-118484821-A-G.
Other names: c.3299A>G, p.Asp1100Gly (NM_001349239.2, NM_001349240.2, NM_001387933.1 and 2 more transcripts); c.2594A>G, p.Asp865Gly (NM_001387937.1); c.2312A>G, p.Asp771Gly (NM_001387938.1); short protein forms D1100G, D771G, D865G.
Identifiers: ClinVar variation 3038837 (VCV003038837.2), dbSNP rs115258403, ClinGen allele CA3379912.